The following is an entry in ClinVar:

NM_006420.3(ARFGEF2):c.3221+18C>T

Gene: ARFGEF2 (ARF guanine nucleotide exchange factor 2; plus strand). Cytogenetic location: 20q13.13.
Variant type: single nucleotide variant.
Coding change: c.3221+18C>T on transcript NM_006420.3 (MANE Select); 18 bases into the intron after coding-DNA position 3221, C replaced by T.
Molecular consequence: intron variant.
Genome position (GRCh38, 1-based): chr20:48,995,900, C>T. VCF-style: chr20-48995900-C-T. GRCh37 (hg19) VCF-style: chr20-47612437-C-T.
Identifiers: ClinVar variation 386447 (VCV000386447.1), dbSNP rs764439620, ClinGen allele CA9898859.

ClinVar aggregate classification (germline): Likely benign (1 of 4 stars; one submission).

Allele frequency attached by ClinVar (database versions not stated): TOPMed 0.00002; gnomAD exomes 0.00001; ExAC 0.00002; gnomAD 0.00001.
gnomAD v4.1: 12 of 1,609,116 alleles (0.00075%); highest among the groups gnomAD compares: Non-Finnish European, 0.001%; no homozygotes.

Submission:

GeneDx
Classification: Likely benign. Last evaluated: 2016-06-01. Review status: criteria provided, single submitter. Criteria: GeneDx Variant Classification (06012015). Collection method: clinical testing. Allele origin: germline. Affected: yes.
Comment: This variant is considered likely benign or benign based on one or more of the following criteria: it is a conservative change, it occurs at a poorly conserved position in the protein, it is predicted to be benign by multiple in silico algorithms, and/or has population frequency not consistent with disease.